The following is an entry in ClinVar:

NM_004614.5(TK2):c.619-63C>G

Gene: TK2 (thymidine kinase 2; minus strand). Cytogenetic location: 16q21.
Variant type: single nucleotide variant.
Coding change: c.619-63C>G on transcript NM_004614.5 (MANE Select); 63 bases into the intron before coding-DNA position 619, C replaced by G.
Molecular consequence: intron variant.
Genome position (GRCh38, 1-based): chr16:66,513,874, G>C on the plus strand (C>G on the coding strand, the complement: TK2 is on the minus strand). VCF-style: chr16-66513874-G-C. GRCh37 (hg19) VCF-style: chr16-66547777-G-C.
Other names: c.357-63C>G (NM_001271935.1); c.526-63C>G (NM_001172643.1); c.544-63C>G (NM_001172644.2); c.565-63C>G (NM_001172645.2); c.472-63C>G (NM_001271934.2); c.328-63C>G (NM_001272050.2).
Identifiers: ClinVar variation 673677 (VCV000673677.4), dbSNP rs2241620, ClinGen allele CA8093610.

ClinVar aggregate classification (germline): Benign. Review status: criteria provided, multiple submitters, no conflicts (2 of 4 stars). 3 submissions from 3 submitters: Benign (3). Last evaluated 2025-11-24.

Conditions:
Mitochondrial disease. Also called: Mitochondrial disorder; Mitochondrial disorders. Identifiers: Orphanet 68380, MedGen C0751651, MeSH D028361, MONDO:0044970.

Allele frequency attached by ClinVar (database versions not stated): gnomAD exomes 0.09896; TOPMed 0.14395; 1000 Genomes Project 30x 0.18926; 1000 Genomes Project 0.19010; ExAC 0.13442; gnomAD 0.13521 and 0.13529.
gnomAD v4.1: 100,095 of 1,442,802 alleles (6.9%); highest among the groups gnomAD compares: African/African-American, 34%; 7,720 homozygotes.

Submissions (3):

Genomenon, Inc
Classification: Benign for Mitochondrial disease. Last evaluated: 2025-11-24. Review status: criteria provided, single submitter. Criteria: Genomenon Sequence Variant Interpretation Standards - Updated. Collection method: curation. Allele origin: germline. Affected: no.
Comment: TK2 c.619-63C>G is a deeply intronic variant located in intron 8. This variant is present at a high allele frequency in population databases. In conclusion, we classify TK2 c.619-63C>G as a benign variant.

GeneDx
Classification: Benign. Last evaluated: 2018-06-14. Review status: criteria provided, single submitter. Criteria: GeneDx Variant Classification (06012015). Collection method: clinical testing. Allele origin: germline. Affected: yes.
Comment: This variant is considered likely benign or benign based on one or more of the following criteria: it is a conservative change, it occurs at a poorly conserved position in the protein, it is predicted to be benign by multiple in silico algorithms, and/or has population frequency not consistent with disease.

Breakthrough Genomics
Classification: Benign. Review status: criteria provided, single submitter. Criteria: ACMG Guidelines, 2015. Collection method: not provided. Allele origin: germline. Inheritance: Autosomal recessive inheritance. Affected: yes.